The following is an entry in ClinVar:

NM_005148.4(UNC119):c.509A>G (p.Gln170Arg)

Gene: UNC119 (unc-119 lipid binding chaperone; minus strand). Cytogenetic location: 17q11.2.
Variant type: single nucleotide variant.
Coding change: c.509A>G on transcript NM_005148.4 (MANE Select); coding-DNA position 509, A replaced by G.
Protein change: p.Gln170Arg; replaces glutamine 170 with arginine.
Molecular consequence: missense variant.
Genome position (GRCh38, 1-based): chr17:28,547,778, T>C on the plus strand (A>G on the coding strand, the complement: UNC119 is on the minus strand). VCF-style: chr17-28547778-T-C. GRCh37 (hg19) VCF-style: chr17-26874796-T-C.
Other names: c.224A>G, p.Gln75Arg (NM_001330166.2); c.509A>G, p.Gln170Arg (NM_054035.2); short protein forms Q170R, Q75R.
Identifiers: ClinVar variation 322463 (VCV000322463.13), dbSNP rs561712812, ClinGen allele CA8459759.

ClinVar aggregate classification (germline): Conflicting classifications of pathogenicity. Review status: criteria provided, conflicting classifications (1 of 4 stars). 3 submissions from 3 submitters: Uncertain significance (2); Likely benign (1). Last evaluated 2024-11-18.

Conditions:
Cone-rod dystrophy. Also called: Cone/cone-rod dystrophy; Cone-rod degeneration. Identifiers: Orphanet 1872, MedGen C4085590, MONDO:0015993, HP:0000548.

Allele frequency attached by ClinVar (database versions not stated): gnomAD below 0.00001 and 0.00001; TOPMed below 0.00001; gnomAD exomes 0.00001 and 0.00002; ExAC 0.00003.
gnomAD v4.1: 26 of 1,614,074 alleles (0.0016%); highest among the groups gnomAD compares: South Asian, 0.022%; no homozygotes.

Submissions (3):

Labcorp Genetics (formerly Invitae), Labcorp
Classification: Uncertain significance. Last evaluated: 2024-11-18. Review status: criteria provided, single submitter. Criteria: Invitae Variant Classification Sherloc (09022015). Collection method: clinical testing. Allele origin: germline.
Comment: This sequence change replaces glutamine, which is neutral and polar, with arginine, which is basic and polar, at codon 170 of the UNC119 protein (p.Gln170Arg). This variant is present in population databases (rs561712812, gnomAD 0.01%). This variant has not been reported in the literature in individuals affected with UNC119-related conditions. ClinVar contains an entry for this variant (Variation ID: 322463). An algorithm developed to predict the effect of missense changes on protein structure and function outputs the following: PolyPhen-2: "Benign". The arginine amino acid residue is found in multiple mammalian species, which suggests that this missense change does not adversely affect protein function. In summary, the available evidence is currently insufficient to determine the role of this variant in disease. Therefore, it has been classified as a Variant of Uncertain Significance.

Ambry Genetics
Classification: Uncertain significance. Last evaluated: 2022-08-03. Review status: criteria provided, single submitter. Criteria: Ambry Variant Classification Scheme 2023. Collection method: clinical testing. Allele origin: germline.

Illumina Laboratory Services, Illumina
Classification: Likely benign for Cone-rod dystrophy. Last evaluated: 2018-01-12. Review status: criteria provided, single submitter. Criteria: ICSL Variant Classification Criteria 13 December 2019. Collection method: clinical testing. Allele origin: germline.
Comment: This variant was observed in the ICSL laboratory as part of a predisposition screen in an ostensibly healthy population. It had not been previously curated by ICSL or reported in the Human Gene Mutation Database (HGMD: prior to June 1st, 2018), and was therefore a candidate for classification through an automated scoring system. Utilizing variant allele frequency, disease prevalence and penetrance estimates, and inheritance mode, an automated score was calculated to assess if this variant is too frequent to cause the disease. Based on the score and internal cut-off values, a variant classified as likely benign is not then subjected to further curation. The score for this variant resulted in a classification of likely benign for this disease.